The following is an entry in ClinVar:

NM_000531.6(OTC):c.1005+941T>C

Gene: OTC (ornithine transcarbamylase; plus strand). Cytogenetic location: Xp11.4.
Variant type: single nucleotide variant.
Coding change: c.1005+941T>C on transcript NM_000531.6 (MANE Select); 941 bases into the intron after coding-DNA position 1005, T replaced by C.
Molecular consequence: intron variant.
Genome position (GRCh38, 1-based): chrX:38,412,940, T>C. VCF-style: chrX-38412940-T-C. GRCh37 (hg19) VCF-style: chrX-38272193-T-C.
Identifiers: ClinVar variation 680703 (VCV000680703.1), dbSNP rs5963419, ClinGen allele CA327913884.

ClinVar aggregate classification (germline): Benign (1 of 4 stars; one submission).

Allele frequency attached by ClinVar (database versions not stated): gnomAD 0.51422 and 0.51630; TOPMed 0.53853; 1000 Genomes Project 0.63629; 1000 Genomes Project 30x 0.63829.
gnomAD v4.1: 56,631 of 110,358 alleles (51%); highest among the groups gnomAD compares: African/African-American, 82%; 12,162 homozygotes.

Submission:

GeneDx
Classification: Benign. Last evaluated: 2018-06-14. Review status: criteria provided, single submitter. Criteria: GeneDx Variant Classification (06012015). Collection method: clinical testing. Allele origin: germline. Affected: yes.
Comment: This variant is considered likely benign or benign based on one or more of the following criteria: it is a conservative change, it occurs at a poorly conserved position in the protein, it is predicted to be benign by multiple in silico algorithms, and/or has population frequency not consistent with disease.